The following is an entry in ClinVar:

NM_001743.6(CALM2):c.293A>T (p.Asn98Ile)

Gene: CALM2 (calmodulin 2; minus strand). Cytogenetic location: 2p21.
Variant type: single nucleotide variant.
Coding change: c.293A>T on transcript NM_001743.6 (MANE Select); coding-DNA position 293, A replaced by T.
Protein change: p.Asn98Ile; replaces asparagine 98 with isoleucine.
Molecular consequence: missense variant.
Genome position (GRCh38, 1-based): chr2:47,161,851, T>A on the plus strand (A>T on the coding strand, the complement: CALM2 is on the minus strand). VCF-style: chr2-47161851-T-A. GRCh37 (hg19) VCF-style: chr2-47388990-T-A.
Other names: c.437A>T, p.Asn146Ile (NM_001305624.1); c.185A>T, p.Asn62Ile (NM_001305625.2, NM_001305626.1); short protein forms N98I, N62I, N146I.
Identifiers: ClinVar variation 96721 (VCV000096721.9), dbSNP rs398124647, ClinGen allele CA186027.

ClinVar aggregate classification (germline): Pathogenic. Review status: criteria provided, single submitter (1 of 4 stars). 3 submissions from 3 submitters: Pathogenic (1). 2 of the submissions do not count toward it. Last evaluated 2022-07-06.

Conditions:
Long QT syndrome 15 (LQT15). Identifiers: Orphanet 101016, Orphanet 768, MedGen C4015695, MONDO:0014550, OMIM 616249.
Long QT syndrome 1 (LQT1). Identifiers: Orphanet 101016, Orphanet 768, MedGen C4551647, MONDO:0100316, OMIM 192500, MONDO:0008646.

Submissions (3):

Labcorp Genetics (formerly Invitae), Labcorp
Classification: Pathogenic for Long QT syndrome 1. Last evaluated: 2022-07-06. Review status: criteria provided, single submitter. Criteria: Invitae Variant Classification Sherloc (09022015). Collection method: clinical testing. Allele origin: germline.
Comment: This variant is not present in population databases (gnomAD no frequency). For these reasons, this variant has been classified as Pathogenic. This variant disrupts the p.Asn98 amino acid residue in CALM2. Other variant(s) that disrupt this residue have been determined to be pathogenic (PMID: 24917665, 27100291, 27114410, 27165696, 28335032, 31283864). This suggests that this residue is clinically significant, and that variants that disrupt this residue are likely to be disease-causing. Experimental studies have shown that this missense change affects CALM2 function (PMID: 24917665, 30348784). Algorithms developed to predict the effect of missense changes on protein structure and function (SIFT, PolyPhen-2, Align-GVGD) all suggest that this variant is likely to be disruptive. ClinVar contains an entry for this variant (Variation ID: 96721). This variant is also known as D97I. This missense change has been observed in individual(s) with long QT syndrome (PMID: 24917665). In at least one individual the variant was observed to be de novo. This sequence change replaces asparagine, which is neutral and polar, with isoleucine, which is neutral and non-polar, at codon 98 of the CALM2 protein (p.Asn98Ile).

OMIM
Classification: Pathogenic for LONG QT SYNDROME 15. Last evaluated: 2014-08-01. Review status: no assertion criteria provided. Collection method: literature only. Allele origin: germline. Not counted in ClinVar's aggregate classification.

George Lab Vanderbilt University
Classification: Likely pathogenic. Review status: no assertion criteria provided. Collection method: not provided. Allele origin: germline. Not counted in ClinVar's aggregate classification.
ClinVar note: Converted during submission from probable-pathogenic to Likely pathogenic.

Literature cited by the submitters: PubMed 24917665 (cited by Labcorp Genetics (formerly Invitae), Labcorp and OMIM); PubMed 27100291 (cited by Labcorp Genetics (formerly Invitae), Labcorp); PubMed 27114410 (cited by Labcorp Genetics (formerly Invitae), Labcorp); PubMed 27165696 (cited by Labcorp Genetics (formerly Invitae), Labcorp); PubMed 28335032 (cited by Labcorp Genetics (formerly Invitae), Labcorp); PubMed 31283864 (cited by Labcorp Genetics (formerly Invitae), Labcorp); PubMed 30348784 (cited by Labcorp Genetics (formerly Invitae), Labcorp).